The following is an entry in ClinVar:

ClinVar aggregate classification (germline): Likely benign (1 of 4 stars; one submission).

Allele frequency attached by ClinVar (database versions not stated): TOPMed 0.00001; gnomAD exomes 0.00002; gnomAD 0.00001; ExAC 0.00004.
gnomAD v4.1: 23 of 1,614,056 alleles (0.0014%); highest among the groups gnomAD compares: Non-Finnish European, 0.0014%; no homozygotes.

Submission:

GeneDx
Classification: Likely benign. Last evaluated: 2018-03-27. Review status: criteria provided, single submitter. Criteria: GeneDx Variant Classification (06012015). Collection method: clinical testing. Allele origin: germline. Affected: yes.
Comment: This variant is considered likely benign or benign based on one or more of the following criteria: it is a conservative change, it occurs at a poorly conserved position in the protein, it is predicted to be benign by multiple in silico algorithms, and/or has population frequency not consistent with disease.

NM_001127453.2(GSDME):c.713G>A (p.Arg238Gln)

Gene: GSDME (gasdermin E; minus strand). Cytogenetic location: 7p15.3.
Variant type: single nucleotide variant.
Coding change: c.713G>A on transcript NM_001127453.2 (MANE Select); coding-DNA position 713, G replaced by A.
Protein change: p.Arg238Gln; replaces arginine 238 with glutamine.
Molecular consequence: missense variant.
Genome position (GRCh38, 1-based): chr7:24,710,373, C>T on the plus strand (G>A on the coding strand, the complement: GSDME is on the minus strand). VCF-style: chr7-24710373-C-T. GRCh37 (hg19) VCF-style: chr7-24749992-C-T.
Other names: c.221G>A, p.Arg74Gln (NM_001127454.2); c.713G>A, p.Arg238Gln (NM_004403.3); short protein forms R74Q, R238Q.
Identifiers: ClinVar variation 680249 (VCV000680249.1), dbSNP rs777479524, ClinGen allele CA4191586.